The following is an entry in ClinVar:

ClinVar aggregate classification (germline): Conflicting classifications of pathogenicity. Review status: criteria provided, conflicting classifications (1 of 4 stars). 7 submissions from 7 submitters: Uncertain significance (2); Likely benign (4). 1 of the submissions does not count toward it. Last evaluated 2026-08-17.

Conditions:
Cardiovascular phenotype. Identifiers: MedGen CN230736.
Cardiomyopathy (CMYO). Also called: Cardiomyopathies. Identifiers: Orphanet 167848, MedGen C0878544, MONDO:0004994, HP:0001638. Inheritance: Various modes of inheritance.
Lethal congenital glycogen storage disease of heart. Also called: PHOSPHORYLASE KINASE DEFICIENCY OF HEART; GLYCOGEN STORAGE DISEASE OF HEART. Identifiers: Orphanet 439854, MedGen C1849813, MONDO:0009867, OMIM 261740.
Hypertrophic cardiomyopathy. Also called: HYPERTROPHIC MYOCARDIOPATHY. Identifiers: Orphanet 217569, MedGen C0007194, MeSH D002312, MONDO:0005045, HP:0001639.

Allele frequency attached by ClinVar (database versions not stated): gnomAD 0.00012 and 0.00011; gnomAD exomes 0.00002; ESP Exome Variant Server 0.00008; ExAC 0.00003; TOPMed 0.00012.
gnomAD v4.1: 28 of 1,613,638 alleles (0.0017%); highest among the groups gnomAD compares: African/African-American, 0.037%; no homozygotes.

Submissions (7):

GeneDx
Classification: Uncertain significance. Last evaluated: 2026-08-17. Review status: criteria provided, single submitter. Criteria: GeneDx Variant Classification Process June 2021. Collection method: clinical testing. Allele origin: germline.
Comment: In silico analysis suggests that this missense variant does not alter protein structure/function; This variant is associated with the following publications: (PMID: 27532257, 32746448, 40225148)

Ambry Genetics
Classification: Uncertain significance for Cardiovascular phenotype. Last evaluated: 2026-03-03. Review status: criteria provided, single submitter. Criteria: Ambry Variant Classification Scheme 2023. Collection method: clinical testing. Allele origin: germline.
Comment: The c.1267C>A (p.Q423K) alteration is located in exon 12 (coding exon 12) of the PRKAG2 gene. This alteration results from a C to A substitution at nucleotide position 1267, causing the glutamine (Q) at amino acid position 423 to be replaced by a lysine (K). Based on data from gnomAD, the A allele has an overall frequency of 0.004% (11/282882) total alleles studied. The highest observed frequency was 0.044% (11/24972) of African alleles. Based on insufficient or conflicting evidence, the clinical significance of this alteration remains unclear.

Labcorp Genetics (formerly Invitae), Labcorp
Classification: Likely benign for Lethal congenital glycogen storage disease of heart. Last evaluated: 2025-09-13. Review status: criteria provided, single submitter. Criteria: Invitae Variant Classification Sherloc (09022015). Collection method: clinical testing. Allele origin: germline.

All of Us Research Program, National Institutes of Health
Classification: Likely benign for Hypertrophic cardiomyopathy. Last evaluated: 2024-08-30. Review status: criteria provided, single submitter. Criteria: ACMG Guidelines, 2015. Collection method: clinical testing. Allele origin: germline. Inheritance: Autosomal dominant inheritance. Observed: 2 variant alleles, 2 heterozygotes.
Comment: This study involves interpretation of variants in research participants for the purpose of population health screening. Participant phenotype was not available at the time of variant classification. Additional details can be found in publication PMID: 35346344, PMCID: PMC8962531

Color Diagnostics, LLC DBA Color Health
Classification: Likely benign for Cardiomyopathy. Last evaluated: 2022-01-05. Review status: criteria provided, single submitter. Criteria: ACMG Guidelines, 2015. Collection method: clinical testing. Allele origin: germline.

CHEO Genetics Diagnostic Laboratory, Children's Hospital of Eastern Ontario
Classification: Likely benign for Cardiomyopathy. Last evaluated: 2020-04-20. Review status: criteria provided, single submitter. Criteria: ACMG Guidelines, 2015. Collection method: clinical testing. Allele origin: germline. Study: Canadian Open Genetics Repository.

Laboratory for Molecular Medicine, Mass General Brigham Personalized Medicine
Classification: Uncertain significance. Last evaluated: 2008-03-01. Review status: no assertion criteria provided. Collection method: clinical testing. Allele origin: germline. Observed: 1 variant allele. Not counted in ClinVar's aggregate classification.

NM_016203.4(PRKAG2):c.1267C>A (p.Gln423Lys)

Gene: PRKAG2 (protein kinase AMP-activated non-catalytic subunit gamma 2; minus strand). Cytogenetic location: 7q36.1.
Variant type: single nucleotide variant.
Coding change: c.1267C>A on transcript NM_016203.4 (MANE Select); coding-DNA position 1267, C replaced by A.
Protein change: p.Gln423Lys; replaces glutamine 423 with lysine.
Molecular consequence: missense variant.
Genome position (GRCh38, 1-based): chr7:151,565,852, G>T on the plus strand (C>A on the coding strand, the complement: PRKAG2 is on the minus strand). VCF-style: chr7-151565852-G-T. GRCh37 (hg19) VCF-style: chr7-151262938-G-T.
Other names: c.1135C>A, p.Gln379Lys (NM_001040633.2); c.892C>A, p.Gln298Lys (NM_001304527.2); c.544C>A, p.Gln182Lys (NM_001304531.2, NM_024429.2); c.895C>A, p.Gln299Lys (NM_001363698.2); short protein forms Q423K, Q299K, Q298K, Q379K, Q182K.
Identifiers: ClinVar variation 45693 (VCV000045693.30), dbSNP rs147349145, ClinGen allele CA013686.